The following is an entry in ClinVar:

NM_020812.4(DOCK6):c.1572C>T (p.Pro524=)

Gene: DOCK6 (dedicator of cytokinesis 6; minus strand). Cytogenetic location: 19p13.2.
Variant type: single nucleotide variant.
Coding change: c.1572C>T on transcript NM_020812.4 (MANE Select); coding-DNA position 1572, C replaced by T.
Protein change: p.Pro524=; no amino-acid change (proline 524 retained).
Molecular consequence: synonymous variant.
Genome position (GRCh38, 1-based): chr19:11,242,116, G>A on the plus strand (C>T on the coding strand, the complement: DOCK6 is on the minus strand). VCF-style: chr19-11242116-G-A. GRCh37 (hg19) VCF-style: chr19-11352792-G-A.
Other names: c.1572C>T, p.Pro524= (NM_001367830.1); c.1572C>T (NM_020812.3).
Identifiers: ClinVar variation 1633543 (VCV001633543.10), dbSNP rs374761909, ClinGen allele CA9208096.
Genomic context (GRCh38, chr19:11,242,116, plus strand): 5'-ATGGGGGGCATAGACTTCGCGGGCGGGGAACTCCAGAATCTCCTTGGTGGGCCGGCCCCT[G>A]GGGTCCGGGTAGGGCTTGATATGAAGCAGCTCAGGGGAGAGGCAGAAGTGGGGATTTTCA-3'
Protein context (NP_065863.2, residues 514-534): ELLHIKPYPD[Pro524=]RGRPTKEILE

ClinVar aggregate classification (germline): Likely benign. Review status: criteria provided, single submitter (1 of 4 stars). 2 submissions from 2 submitters: Likely benign (1). 1 of the submissions does not count toward it. Last evaluated 2025-11-23.

Conditions:
DOCK6-related disorder. Also called: DOCK6-related condition.

Allele frequency attached by ClinVar (database versions not stated): gnomAD exomes 0.00003 and 0.00010; ExAC 0.00012; 1000 Genomes Project 30x 0.00016; 1000 Genomes Project 0.00020; ESP Exome Variant Server 0.00025; gnomAD 0.00031 and 0.00035; TOPMed 0.00037.
gnomAD v4.1: 87 of 1,518,104 alleles (0.0057%); highest among the groups gnomAD compares: African/African-American, 0.1%; no homozygotes.

Submissions (2):

Labcorp Genetics (formerly Invitae), Labcorp
Classification: Likely benign. Last evaluated: 2025-11-23. Review status: criteria provided, single submitter. Criteria: Invitae Variant Classification Sherloc (09022015). Collection method: clinical testing. Allele origin: germline.

PreventionGenetics, part of Exact Sciences
Classification: Likely benign for DOCK6-related condition. Last evaluated: 2022-11-29. Review status: no assertion criteria provided. Collection method: clinical testing. Allele origin: germline. Not counted in ClinVar's aggregate classification.
Comment: This variant is classified as likely benign based on ACMG/AMP sequence variant interpretation guidelines (Richards et al. 2015 PMID: 25741868, with internal and published modifications).